The following is an entry in ClinVar:

ClinVar aggregate classification (germline): Benign/Likely benign. Review status: criteria provided, multiple submitters, no conflicts (2 of 4 stars). 3 submissions from 3 submitters: Benign (1); Likely benign (2). Last evaluated 2026-01-20.

Conditions:
3-methylglutaconic aciduria, type VIIB (MGCA7B). Also called: CLPB Deficiency; 3-methylglutaconic aciduria, type VII, with cataracts, neurologic involvement and neutropenia; 3-methylglutaconic aciduria with cataracts, neurologic involvement and neutropenia. Identifiers: Orphanet 445038, MedGen C5676893, MONDO:0014561, OMIM 616271.

Allele frequency attached by ClinVar (database versions not stated): ESP Exome Variant Server 0.00015; gnomAD exomes 0.00018 and 0.00059; gnomAD 0.00031 and 0.00032; TOPMed 0.00042; ExAC 0.00043.
gnomAD v4.1: 340 of 1,612,008 alleles (0.021%); highest among the groups gnomAD compares: Admixed American, 0.16%; 2 homozygotes.

Submissions (3):

Labcorp Genetics (formerly Invitae), Labcorp
Classification: Benign for 3-methylglutaconic aciduria, type VIIB. Last evaluated: 2026-01-20. Review status: criteria provided, single submitter. Criteria: Invitae Variant Classification Sherloc (09022015). Collection method: clinical testing. Allele origin: germline.

Blueprint Genetics
Classification: Likely benign. Last evaluated: 2024-06-21. Review status: criteria provided, single submitter. Criteria: ACMG Guidelines, 2015. Collection method: clinical testing. Allele origin: germline.

GeneDx
Classification: Likely benign. Last evaluated: 2017-09-01. Review status: criteria provided, single submitter. Criteria: GeneDx Variant Classification (06012015). Collection method: clinical testing. Allele origin: germline. Affected: yes.
Comment: This variant is considered likely benign or benign based on one or more of the following criteria: it is a conservative change, it occurs at a poorly conserved position in the protein, it is predicted to be benign by multiple in silico algorithms, and/or has population frequency not consistent with disease.

NM_001258392.3(CLPB):c.404-16C>T

Gene: CLPB (ClpB family mitochondrial disaggregase; minus strand). Cytogenetic location: 11q13.4.
Variant type: single nucleotide variant.
Coding change: c.404-16C>T on transcript NM_001258392.3 (MANE Select); 16 bases into the intron before coding-DNA position 404, C replaced by T.
Molecular consequence: intron variant.
Genome position (GRCh38, 1-based): chr11:72,430,379, G>A on the plus strand (C>T on the coding strand, the complement: CLPB is on the minus strand). VCF-style: chr11-72430379-G-A. GRCh37 (hg19) VCF-style: chr11-72141423-G-A.
Other names: c.404-16C>T (NM_001258393.3, NM_030813.6); c.162-16C>T (NM_001258394.3).
Identifiers: ClinVar variation 516790 (VCV000516790.11), dbSNP rs371250603, ClinGen allele CA6171587.
Genomic context (GRCh38, chr11:72,430,379, plus strand): 5'-CTTCTTGCATATTGTTGGCACGGGCAGCTTCCAACAGGGCTGCATCTGAAGAGAAAGGGG[G>A]CACTGGTCAGATCCGCGGCCAGGACATACCCATCTCAGGACTGCGTGGAGGGCCCACTAA-3'